The following is an entry in ClinVar:

ClinVar aggregate classification (germline): Uncertain significance (1 of 4 stars; one submission).

Submission:

GeneDx
Classification: Uncertain significance. Last evaluated: 2024-10-31. Review status: criteria provided, single submitter. Criteria: GeneDx Variant Classification Process June 2021. Collection method: clinical testing. Allele origin: germline. Affected: yes.
Comment: Not observed at significant frequency in large population cohorts (gnomAD); In silico analysis supports a deleterious effect on splicing; Has not been previously published as pathogenic or benign to our knowledge

NM_001330260.2(SCN8A):c.2544G>A (p.Leu848=)

Gene: SCN8A (sodium voltage-gated channel alpha subunit 8; plus strand). Cytogenetic location: 12q13.13.
Variant type: single nucleotide variant.
Coding change: c.2544G>A on transcript NM_001330260.2 (MANE Select); coding-DNA position 2544, G replaced by A.
Protein change: p.Leu848=; no amino-acid change (leucine 848 retained).
Molecular consequence: synonymous variant.
Genome position (GRCh38, 1-based): chr12:51,762,676, G>A. VCF-style: chr12-51762676-G-A. GRCh37 (hg19) VCF-style: chr12-52156460-G-A.
Other names: c.2544G>A, p.Leu848= (NM_001177984.3, NM_001369788.1, NM_014191.4).
Identifiers: ClinVar variation 3897523 (VCV003897523.1).